The following is an entry in ClinVar:

NM_153834.4(ADGRG4):c.8836A>T (p.Thr2946Ser)

Gene: ADGRG4 (adhesion G protein-coupled receptor G4; plus strand). Cytogenetic location: Xq26.3.
Variant type: single nucleotide variant.
Coding change: c.8836A>T on transcript NM_153834.4 (MANE Select); coding-DNA position 8836, A replaced by T.
Protein change: p.Thr2946Ser; replaces threonine 2946 with serine.
Molecular consequence: missense variant.
Genome position (GRCh38, 1-based): chrX:136,405,873, A>T. VCF-style: chrX-136405873-A-T. GRCh37 (hg19) VCF-style: chrX-135488032-A-T.
Other names: short protein forms T2946S.
Identifiers: ClinVar variation 4638374 (VCV004638374.1).

ClinVar aggregate classification (germline): Uncertain significance (1 of 4 stars; one submission).

gnomAD v4.1: 5 of 1,204,798 alleles (0.00042%); highest among the groups gnomAD compares: Non-Finnish European, 0.00056%; no homozygotes.

Submission:

Ambry Genetics
Classification: Uncertain significance. Last evaluated: 2025-11-19. Review status: criteria provided, single submitter. Criteria: Ambry Variant Classification Scheme 2023. Collection method: clinical testing. Allele origin: germline.
Comment: The c.8836A>T (p.T2946S) alteration is located in exon 23 (coding exon 20) of the ADGRG4 gene. This alteration results from a A to T substitution at nucleotide position 8836, causing the threonine (T) at amino acid position 2946 to be replaced by a serine (S). Based on data from gnomAD, the T allele has an overall frequency of 0.001% (1/176005) total alleles studied. The highest observed frequency was 0.001% (1/79915) of European (non-Finnish) alleles. Based on insufficient or conflicting evidence, the clinical significance of this alteration remains unclear.